The following is an entry in ClinVar:

NC_000007.13:g.(?_95906498)_(95906660_?)del

Gene: SLC25A13 (solute carrier family 25 member 13; minus strand). Cytogenetic location: 7q21.3.
Variant type: Deletion.
Identifiers: ClinVar variation 1069861 (VCV001069861.4).

ClinVar aggregate classification (germline): Pathogenic (1 of 4 stars; one submission).

Conditions:
Citrin deficiency. Identifiers: Orphanet 247582, MedGen C1997910, MONDO:0016602.

Submission:

Labcorp Genetics (formerly Invitae), Labcorp
Classification: Pathogenic for Citrin deficiency. Last evaluated: 2021-09-24. Review status: criteria provided, single submitter. Criteria: Invitae Variant Classification Sherloc (09022015). Collection method: clinical testing. Allele origin: germline.
Comment: This variant is a gross deletion of the genomic region encompassing exon(s) 3 of the SLC25A13 gene. This deletion is out-of-frame, and is expected to create a premature translational stop signal and result in an absent or disrupted protein product. Loss-of-function variants in SLC25A13 are known to be pathogenic (PMID: 10369257, 14680984, 27405544). A similar copy number variant has been observed in individual(s) with citrin deficiency (PMID: 18487280). In at least one individual the data is consistent with the variant being in trans (on the opposite chromosome) from a pathogenic variant. For these reasons, this variant has been classified as Pathogenic.

Literature cited by the submitters: PubMed 10369257; PubMed 14680984; PubMed 27405544; PubMed 18487280.